The following is an entry in ClinVar:

NM_006129.5(BMP1):c.1184G>A (p.Arg395His)

Gene: BMP1 (bone morphogenetic protein 1; plus strand). Cytogenetic location: 8p21.3.
Variant type: single nucleotide variant.
Coding change: c.1184G>A on transcript NM_006129.5 (MANE Select); coding-DNA position 1184, G replaced by A.
Protein change: p.Arg395His; replaces arginine 395 with histidine.
Molecular consequence: missense variant. On other transcripts: non-coding transcript variant (2).
Genome position (GRCh38, 1-based): chr8:22,194,061, G>A. VCF-style: chr8-22194061-G-A. GRCh37 (hg19) VCF-style: chr8-22051574-G-A.
Other names: c.1184G>A, p.Arg395His (NM_001199.4); c.1184G>A (NM_006129.4); short protein forms R395H.
Identifiers: ClinVar variation 1898788 (VCV001898788.3), dbSNP rs375380551, ClinGen allele CA4664595.
Genomic context (GRCh38, chr8:22,194,061, plus strand): 5'-CCTCTATAGGGGGTGTCCTCAGGGTTCACCACTCTTCCATCCACACTGTCTGTGCAGGCC[G>A]CTTCTGCGGGTCCAAACTCCCTGAGCCTATCGTCTCCACTGACAGCCGCCTCTGGGTTGA-3'
Protein context (NP_006120.1, residues 385-405): GFWRKAPLRG[Arg395His]FCGSKLPEPI

ClinVar aggregate classification (germline): Uncertain significance. Review status: criteria provided, multiple submitters, no conflicts (2 of 4 stars). 2 submissions from 2 submitters: Uncertain significance (2). Last evaluated 2023-12-21.

Conditions:
Inborn genetic diseases. Identifiers: MedGen C0950123, MeSH D030342.

Allele frequency attached by ClinVar (database versions not stated): gnomAD 0.00007.
gnomAD v4.1: 119 of 1,613,748 alleles (0.0074%); highest among the groups gnomAD compares: Non-Finnish European, 0.0091%; no homozygotes.

Submissions (2):

Ambry Genetics
Classification: Uncertain significance for Inborn genetic diseases. Last evaluated: 2023-12-21. Review status: criteria provided, single submitter. Criteria: Ambry Variant Classification Scheme 2023. Collection method: clinical testing. Allele origin: germline.

Labcorp Genetics (formerly Invitae), Labcorp
Classification: Uncertain significance. Last evaluated: 2022-03-15. Review status: criteria provided, single submitter. Criteria: Invitae Variant Classification Sherloc (09022015). Collection method: clinical testing. Allele origin: germline.
Comment: This sequence change replaces arginine, which is basic and polar, with histidine, which is basic and polar, at codon 395 of the BMP1 protein (p.Arg395His). This variant is present in population databases (rs375380551, gnomAD 0.01%). This variant has not been reported in the literature in individuals affected with BMP1-related conditions. Algorithms developed to predict the effect of missense changes on protein structure and function are either unavailable or do not agree on the potential impact of this missense change (SIFT: "Deleterious"; PolyPhen-2: "Probably Damaging"; Align-GVGD: "Class C0"). In summary, the available evidence is currently insufficient to determine the role of this variant in disease. Therefore, it has been classified as a Variant of Uncertain Significance.